The following is an entry in ClinVar:

ClinVar aggregate classification (germline): Conflicting classifications of pathogenicity. Review status: criteria provided, conflicting classifications (1 of 4 stars). 3 submissions from 3 submitters: Uncertain significance (1); Likely benign (2). Last evaluated 2026-09-23.

Conditions:
Huntington disease (HD). Also called: Huntington's chorea; Huntington's disease; HUNTINGTON CHOREA. Identifiers: Orphanet 248111, Orphanet 399, MedGen C0020179, MONDO:0007739, OMIM 143100.

Submissions (3):

Department Of Human Genetics, Institute Of Clinical And Translational Research, Biomedical Research Center, Slovak Academy Of Sciences
Classification: Uncertain significance for Huntington disease. Last evaluated: 2026-09-23. Review status: criteria provided, single submitter. Criteria: ACMG Guidelines for Huntington disease, 2014. Collection method: research. Allele origin: germline. Inheritance: Autosomal dominant inheritance.
Comment: The NC_000004.12.g.3074878_3074940AGC[26]AAC[1]AGC[1] allele represents a complex trinucleotide repeat sequence in the HTT (huntingtin) gene. The repeat tract consists of 26 consecutive AGC repeats, followed by one AAC repeat and one additional AGC repeat. This sequence corresponds to 26 uninterrupted glutamine-encoding units or 28 interrupted glutamine-encoding repeat units (this count the AAC interruption and the additional AGC to the total number of repeats on the DNA level, while all resulting in glutamine residues at the protein level). Huntington disease (HD) is an autosomal dominant neurodegenerative disorder caused by an expansion of the CAG trinucleotide repeat in exon 1 of the HTT gene. HTT alleles containing 26 or fewer CAG repeats are considered within the normal range, whereas alleles containing 27–35 repeats are classified as intermediate/premutation, 36-39 repeats as reduced-penetrance pathogenic alleles, and 40 or more repeats as full-penetrance pathogenic alleles. This allele is classified as uncertain significance because the 26 uninterrupted repeats fall within the normal range, whereas the total of 28 repeats, including interruptions, falls within the intermediate/premutation range. The allele reached 0.16% frequency in the general population of Slovakia (in 609 genotyped alleles).

Laboratory of Genetics, Children's Clinical University Hospital Latvia
Classification: Likely benign. Last evaluated: 2025-02-16. Review status: criteria provided, single submitter. Criteria: ACMG Guidelines, 2015. Collection method: clinical testing. Allele origin: germline. Affected: yes.

Blueprint Genetics
Classification: Likely benign. Last evaluated: 2024-11-26. Review status: criteria provided, single submitter. Criteria: ACMG Guidelines, 2015. Collection method: clinical testing. Allele origin: germline.

NM_001388492.1(HTT):c.54GCA[28] (p.Gln38_Pro39insGlnGlnGlnGlnGlnGlnGlnGlnGln)

Genes: HTT (huntingtin; plus strand), LOC109461479 (huntingtin repeat instability region; plus strand), LOC129929027 (ATAC-STARR-seq lymphoblastoid silent region 15199; plus strand). Cytogenetic location: 4p16.3.
Variant type: Microsatellite.
Coding change: c.54GCA[28] on transcript NM_001388492.1 (MANE Select); 28 copies in a row of the 3-base unit GCA starting at c.54.
Protein change: p.Gln38_Pro39insGlnGlnGlnGlnGlnGlnGlnGlnGln.
Genome position: GRCh38 VCF-style: chr4-3074876-C-CCAGCAGCAGCAGCAGCAGCAG. GRCh37 (hg19) VCF-style: chr4-3076603-C-CCAGCAGCAGCAGCAGCAGCAG.
Other names: c.54GCA[28], p.Gln40_Pro41insGlnGlnGlnGlnGlnGlnGln (NM_002111.8).
Identifiers: ClinVar variation 3910360 (VCV003910360.3).